The following is an entry in ClinVar:

NM_020778.5(ALPK3):c.3137G>A (p.Arg1046His)

Gene: ALPK3 (alpha kinase 3; plus strand). Cytogenetic location: 15q25.3.
Variant type: single nucleotide variant.
Coding change: c.3137G>A on transcript NM_020778.5 (MANE Select); coding-DNA position 3137, G replaced by A.
Protein change: p.Arg1046His; replaces arginine 1046 with histidine.
Molecular consequence: missense variant.
Genome position (GRCh38, 1-based): chr15:84,857,875, G>A. VCF-style: chr15-84857875-G-A. GRCh37 (hg19) VCF-style: chr15-85401106-G-A.
Other names: short protein forms R1046H.
Identifiers: ClinVar variation 1303739 (VCV001303739.13), dbSNP rs184951836, ClinGen allele CA7709564.

ClinVar aggregate classification (germline): Conflicting classifications of pathogenicity. Review status: criteria provided, conflicting classifications (1 of 4 stars). 3 submissions from 3 submitters: Uncertain significance (2); Likely benign (1). Last evaluated 2025-10-17.

Conditions:
Cardiovascular phenotype. Identifiers: MedGen CN230736.

Allele frequency attached by ClinVar (database versions not stated): gnomAD 0.00007 and 0.00009; TOPMed 0.00015; gnomAD exomes 0.00020; ExAC 0.00024; 1000 Genomes Project 0.00060; 1000 Genomes Project 30x 0.00062.

Submissions (3):

Labcorp Genetics (formerly Invitae), Labcorp
Classification: Likely benign. Last evaluated: 2025-10-17. Review status: criteria provided, single submitter. Criteria: Invitae Variant Classification Sherloc (09022015). Collection method: clinical testing. Allele origin: germline.

Ambry Genetics
Classification: Uncertain significance for Cardiovascular phenotype. Last evaluated: 2025-09-29. Review status: criteria provided, single submitter. Criteria: Ambry Variant Classification Scheme 2023. Collection method: clinical testing. Allele origin: germline.
Comment: The p.R1248H variant (also known as c.3743G>A), located in coding exon 6 of the ALPK3 gene, results from a G to A substitution at nucleotide position 3743. The arginine at codon 1248 is replaced by histidine, an amino acid with highly similar properties. This amino acid position is not well conserved in available vertebrate species. In addition, this alteration is predicted to be tolerated by in silico analysis. Based on the available evidence, the clinical significance of this variant remains unclear.

GeneDx
Classification: Uncertain significance. Last evaluated: 2020-12-16. Review status: criteria provided, single submitter. Criteria: GeneDx Variant Classification Process June 2021. Collection method: clinical testing. Allele origin: germline. Affected: yes.
Comment: In silico analysis supports that this missense variant does not alter protein structure/function; Has not been previously published as pathogenic or benign to our knowledge